The following is an entry in ClinVar:

NM_004423.4(DVL3):c.1638_1652del (p.Tyr547_Pro551del)

Gene: DVL3 (dishevelled segment polarity protein 3; plus strand). Cytogenetic location: 3q27.1.
Variant type: Deletion.
Coding change: c.1638_1652del on transcript NM_004423.4 (MANE Select); coding-DNA positions 1638 to 1652, 15 bases deleted (ATACAACCCGCACCC).
Protein change: p.Tyr547_Pro551del.
Molecular consequence: inframe deletion.
Genome position (GRCh38, 1-based): chr3:184,170,145-184,170,159, ATACAACCCGCACCC deleted; deleting any 15 consecutive bases within chr3:184,170,136-184,170,159 gives the same sequence; the c. name uses the placement nearest the transcript's 3' end. VCF-style (leftmost placement, unchanged base first): chr3-184170135-CCCCGCACCCATACAA-C. GRCh37 (hg19) VCF-style: chr3-183887923-CCCCGCACCCATACAA-C.
Other names: c.1638_1652del15 (NM_004423.3).
Identifiers: ClinVar variation 725028 (VCV000725028.9), dbSNP rs536352009, ClinGen allele CA2727475.

ClinVar aggregate classification (germline): Likely benign. Review status: criteria provided, single submitter (1 of 4 stars). 2 submissions from 2 submitters: Likely benign (1). 1 of the submissions does not count toward it. Last evaluated 2025-03-05.

Conditions:
DVL3-related disorder. Also called: DVL3-related condition.

Submissions (2):

Labcorp Genetics (formerly Invitae), Labcorp
Classification: Likely benign. Last evaluated: 2025-03-05. Review status: criteria provided, single submitter. Criteria: Invitae Variant Classification Sherloc (09022015). Collection method: clinical testing. Allele origin: germline.

PreventionGenetics, part of Exact Sciences
Classification: Likely benign for DVL3-related condition. Last evaluated: 2023-01-31. Review status: no assertion criteria provided. Collection method: clinical testing. Allele origin: germline. Not counted in ClinVar's aggregate classification.
Comment: This variant is classified as likely benign based on ACMG/AMP sequence variant interpretation guidelines (Richards et al. 2015 PMID: 25741868, with internal and published modifications).